The following is an entry in ClinVar:

ClinVar aggregate classification (germline): Uncertain significance (1 of 4 stars; one submission).

Conditions:
Adams-Oliver syndrome 5 (AOS5). Identifiers: Orphanet 974, MedGen C4014970, MONDO:0014459, OMIM 616028.

Submission:

Labcorp Genetics (formerly Invitae), Labcorp
Classification: Uncertain significance for Adams-Oliver syndrome 5. Last evaluated: 2024-09-04. Review status: criteria provided, single submitter. Criteria: Invitae Variant Classification Sherloc (09022015). Collection method: clinical testing. Allele origin: germline.
Comment: This sequence change replaces isoleucine, which is neutral and non-polar, with phenylalanine, which is neutral and non-polar, at codon 1718 of the NOTCH1 protein (p.Ile1718Phe). This variant is not present in population databases (gnomAD no frequency). This variant has not been reported in the literature in individuals affected with NOTCH1-related conditions. Invitae Evidence Modeling of protein sequence and biophysical properties (such as structural, functional, and spatial information, amino acid conservation, physicochemical variation, residue mobility, and thermodynamic stability) indicates that this missense variant is not expected to disrupt NOTCH1 protein function with a negative predictive value of 80%. In summary, the available evidence is currently insufficient to determine the role of this variant in disease. Therefore, it has been classified as a Variant of Uncertain Significance.

NM_017617.5(NOTCH1):c.5152A>T (p.Ile1718Phe)

Gene: NOTCH1 (notch receptor 1; minus strand). Cytogenetic location: 9q34.3.
Variant type: single nucleotide variant.
Coding change: c.5152A>T on transcript NM_017617.5 (MANE Select); coding-DNA position 5152, A replaced by T.
Protein change: p.Ile1718Phe; replaces isoleucine 1718 with phenylalanine.
Molecular consequence: missense variant.
Genome position (GRCh38, 1-based): chr9:136,503,197, T>A on the plus strand (A>T on the coding strand, the complement: NOTCH1 is on the minus strand). VCF-style: chr9-136503197-T-A. GRCh37 (hg19) VCF-style: chr9-139397649-T-A.
Other names: short protein forms I1718F.
Identifiers: ClinVar variation 3664489 (VCV003664489.2).